The following is an entry in ClinVar:

ClinVar aggregate classification (germline): Likely benign (0 of 4 stars; one submission).

Conditions:
ATP2A3-related disorder. Also called: ATP2A3-related condition.

Allele frequency attached by ClinVar (database versions not stated): ExAC 0.00004; ESP Exome Variant Server 0.00015.

Submission:

PreventionGenetics, part of Exact Sciences
Classification: Likely benign for ATP2A3-related condition. Last evaluated: 2019-09-06. Review status: no assertion criteria provided. Collection method: clinical testing. Allele origin: germline.
Comment: This variant is classified as likely benign based on ACMG/AMP sequence variant interpretation guidelines (Richards et al. 2015 PMID: 25741868, with internal and published modifications).

NM_005173.4(ATP2A3):c.924C>T (p.Pro308=)

Gene: ATP2A3 (ATPase sarcoplasmic/endoplasmic reticulum Ca2+ transporting 3; minus strand). Cytogenetic location: 17p13.2.
Variant type: single nucleotide variant.
Coding change: c.924C>T on transcript NM_005173.4 (MANE Select); coding-DNA position 924, C replaced by T.
Protein change: p.Pro308=; no amino-acid change (proline 308 retained).
Molecular consequence: synonymous variant.
Genome position (GRCh38, 1-based): chr17:3,947,562, G>A on the plus strand (C>T on the coding strand, the complement: ATP2A3 is on the minus strand). VCF-style: chr17-3947562-G-A. GRCh37 (hg19) VCF-style: chr17-3850856-G-A.
Other names: c.924C>T, p.Pro308= (NM_174953.3, NM_174954.3, NM_174955.3 and 3 more transcripts).
Identifiers: ClinVar variation 3053259 (VCV003053259.2), dbSNP rs376019481, ClinGen allele CA8297365.